The following is an entry in ClinVar:

NM_006545.5(NPRL2):c.485A>C (p.Gln162Pro)

Gene: NPRL2 (NPR2 like, GATOR1 complex subunit; minus strand). Cytogenetic location: 3p21.31.
Variant type: single nucleotide variant.
Coding change: c.485A>C on transcript NM_006545.5 (MANE Select); coding-DNA position 485, A replaced by C.
Protein change: p.Gln162Pro; replaces glutamine 162 with proline.
Molecular consequence: missense variant.
Genome position (GRCh38, 1-based): chr3:50,348,974, T>G on the plus strand (A>C on the coding strand, the complement: NPRL2 is on the minus strand). VCF-style: chr3-50348974-T-G. GRCh37 (hg19) VCF-style: chr3-50386405-T-G.
Other names: short protein forms Q162P.
Identifiers: ClinVar variation 4083391 (VCV004083391.1).

ClinVar aggregate classification (germline): Uncertain significance (1 of 4 stars; one submission).

Submission:

GeneDx
Classification: Uncertain significance. Last evaluated: 2025-03-10. Review status: criteria provided, single submitter. Criteria: GeneDx Variant Classification Process June 2021. Collection method: clinical testing. Allele origin: germline. Affected: yes.
Comment: Not observed at significant frequency in large population cohorts (gnomAD); In silico analysis indicates that this missense variant does not alter protein structure/function; Has not been previously published as pathogenic or benign to our knowledge